The following is an entry in ClinVar:

ClinVar aggregate classification (germline): Likely benign. Review status: criteria provided, multiple submitters, no conflicts (2 of 4 stars). 3 submissions from 3 submitters: Likely benign (3). Last evaluated 2025-04-28.

Allele frequency attached by ClinVar (database versions not stated): ExAC 0.00001; gnomAD 0.00001; gnomAD exomes 0.00002; TOPMed 0.00002.
gnomAD v4.1: 48 of 1,612,938 alleles (0.003%); highest among the groups gnomAD compares: Non-Finnish European, 0.0038%; no homozygotes.

Submissions (3):

Labcorp Genetics (formerly Invitae), Labcorp
Classification: Likely benign. Last evaluated: 2025-04-28. Review status: criteria provided, single submitter. Criteria: Invitae Variant Classification Sherloc (09022015). Collection method: clinical testing. Allele origin: germline.

Blueprint Genetics
Classification: Likely benign. Last evaluated: 2023-10-20. Review status: criteria provided, single submitter. Criteria: ACMG Guidelines, 2015. Collection method: clinical testing. Allele origin: germline.

CeGaT Center for Human Genetics Tuebingen
Classification: Likely benign. Last evaluated: 2023-07-01. Review status: criteria provided, single submitter. Criteria: CeGaT Center For Human Genetics Tuebingen Variant Classification Criteria Version 2. Collection method: clinical testing. Allele origin: germline. Affected: yes. Observed: 1 variant allele.
Comment: GNB1: BP4, BP7

NM_002074.5(GNB1):c.471C>A (p.Ile157=)

Gene: GNB1 (G protein subunit beta 1; minus strand). Cytogenetic location: 1p36.33.
Variant type: single nucleotide variant.
Coding change: c.471C>A on transcript NM_002074.5 (MANE Select); coding-DNA position 471, C replaced by A.
Protein change: p.Ile157=; no amino-acid change (isoleucine 157 retained).
Molecular consequence: synonymous variant.
Genome position (GRCh38, 1-based): chr1:1,793,271, G>T on the plus strand (C>A on the coding strand, the complement: GNB1 is on the minus strand). VCF-style: chr1-1793271-G-T. GRCh37 (hg19) VCF-style: chr1-1724710-G-T.
Other names: c.171C>A, p.Ile57= (NM_001282538.2); c.471C>A, p.Ile157= (NM_001282539.2).
Identifiers: ClinVar variation 1570690 (VCV001570690.34), dbSNP rs747239027, ClinGen allele CA532008.
Genomic context (GRCh38, chr1:1,793,271, plus strand): 5'-TCAAGGCACTGCCTGCCCCGGGTCAGGTACTTACCACGTGGTGTCTCCAGAGCTGGTGAC[G>T]ATCTGATTGTCATCCAGGAATCGGCAGCAGGACAGGTAACCTGGCAAAGAACAGGCCTAA-3'
Protein context (NP_002065.1, residues 147-167): SCCRFLDDNQ[Ile157=]VTSSGDTTCA